The following is an entry in ClinVar:

ClinVar aggregate classification (germline): Conflicting classifications of pathogenicity. Review status: criteria provided, conflicting classifications (1 of 4 stars). 5 submissions from 5 submitters: Likely pathogenic (1); Uncertain significance (3). 1 of the submissions does not count toward it. Last evaluated 2026-03-06.

Conditions:
Inborn genetic diseases. Identifiers: MedGen C0950123, MeSH D030342.
Premature ovarian insufficiency (POF). Also called: Premature ovarian failure. Identifiers: MedGen C4303540, HP:0008209.
POLG-related disorder. Also called: POLG-related condition; POLG-Related Disorders; POLG-Related Spectrum Disorders. Identifiers: MedGen C4763519.

Allele frequency attached by ClinVar (database versions not stated): gnomAD exomes below 0.00001; TOPMed 0.00001.
gnomAD v4.1: 5 of 1,613,976 alleles (0.00031%); highest among the groups gnomAD compares: South Asian, 0.0011%; no homozygotes.

Submissions (5):

Myriad Genetics, Inc.
Classification: Uncertain significance for POLG-related disorder. Last evaluated: 2026-03-06. Review status: criteria provided, single submitter. Criteria: Myriad Autosomal Dominant, Autosomal Recessive and X-Linked Classification Criteria (2023). Collection method: clinical testing. Allele origin: unknown.
Comment: NM_002693.2(POLG):c.1685G>A(R562Q) is a missense variant classified as a variant of uncertain significance in the context of POLG-related disorders. R562Q has been observed in a case with relevant disease (PMID: 14635118). Relevant functional assessments of this variant are not available in the literature. R562Q has been observed in referenced population frequency databases. In summary, there is insufficient evidence to classify NM_002693.2(POLG):c.1685G>A(R562Q) as pathogenic or benign. Please note: this variant was assessed in the context of healthy population screening.

Women's Health and Genetics/Laboratory Corporation of America, LabCorp
Classification: Uncertain significance. Last evaluated: 2025-06-04. Review status: criteria provided, single submitter. Criteria: LabCorp Variant Classification Summary - May 2015. Collection method: clinical testing. Allele origin: germline.
Comment: Variant summary: POLG c.1685G>A (p.Arg562Gln) results in a conservative amino acid change in the encoded protein sequence. Algorithms developed to predict the effect of missense changes on protein structure and function are either unavailable or do not agree on the potential impact of this missense change. The variant allele was found at a frequency of 4e-06 in 251172 control chromosomes (gnomAD). c.1685G>A has been observed in an individual affected with Progressive external ophthalmoplegia and myopathy who was heterozygous without a second variant found (Di Fonzo_2003). These data do not allow any conclusion about variant significance. At least one publication reports experimental evidence evaluating an impact on protein function, finding that the variant impairs both endonuclease and polymerase activity (Kasahara_2017). The following publications have been ascertained in the context of this evaluation (PMID: 14635118, 27987238). ClinVar contains an entry for this variant (Variation ID: 929779). Based on the evidence outlined above, the variant was classified as VUS-possibly pathogenic.

Medical Cytogenetics and Molecular Genetics Laboratory, IRCCS Istituto Auxologico Italiano
Classification: Likely pathogenic for Premature ovarian failure. Last evaluated: 2020-03-02. Review status: criteria provided, single submitter. Criteria: ACMG Guidelines, 2015. Collection method: research. Allele origin: germline. Affected: yes. Observed: 1 variant allele.

Ambry Genetics
Classification: Uncertain significance for Inborn genetic diseases. Last evaluated: 2017-06-27. Review status: criteria provided, single submitter. Criteria: Ambry Variant Classification Scheme 2023. Collection method: clinical testing. Allele origin: germline.
Comment: The p.R562Q variant (also known as c.1685G>A), located in coding exon 8 of the POLG gene, results from a G to A substitution at nucleotide position 1685. The arginine at codon 562 is replaced by glutamine, an amino acid with highly similar properties. This variant was reported in an individual with progressive external ophthalmoplegia and myopathy, who was negative for ANT1 and C10orf2 mutations; however, no second allele was identified in the POLG gene (Di Fonzo A et al. Hum Mutat. 2003;22:498-9). An in vitro study suggested that this alteration might attenuate enzyme activity (Kasahara T et al. Psychiatry Clin Neurosci. 2016;Dec [Epub ahead of print: doi: 10.1111/pcn.12496]). This amino acid position is highly conserved in available vertebrate species. In addition, this alteration is predicted to be deleterious by in silico analysis. Since supporting evidence is limited at this time, the clinical significance of this alteration remains unclear.

PreventionGenetics, part of Exact Sciences
Classification: Uncertain significance for POLG-related condition. Last evaluated: 2023-10-18. Review status: no assertion criteria provided. Collection method: clinical testing. Allele origin: germline. Not counted in ClinVar's aggregate classification.
Comment: The POLG c.1685G>A variant is predicted to result in the amino acid substitution p.Arg562Gln. This variant has been reported in an individual with progressive external ophthalmoplegia (Di Fonzo et al. 2003. PubMed ID: 14635118), and individual with bipolar disorder (Kasahara et al. 2017. PubMed ID: 27987238), and an individual with primary ovarian insufficiency (Table S3 in Bestetti et al. 2021. PubMed ID: 34480478). This variant is reported in 0.00088% of alleles in individuals of European (Non-Finnish) descent in gnomAD. Although we suspect that this variant may be pathogenic, at this time, the clinical significance of this variant is uncertain due to the absence of conclusive functional and genetic evidence.

Literature cited by the submitters: PubMed 14635118 (cited by 3 submitters); PubMed 27987238 (cited by Women's Health and Genetics/Laboratory Corporation of America, LabCorp and Ambry Genetics).

NM_002693.3(POLG):c.1685G>A (p.Arg562Gln)

Gene: POLG (DNA polymerase gamma, catalytic subunit; minus strand). Cytogenetic location: 15q26.1.
Variant type: single nucleotide variant.
Coding change: c.1685G>A on transcript NM_002693.3 (MANE Select); coding-DNA position 1685, G replaced by A.
Protein change: p.Arg562Gln; replaces arginine 562 with glutamine.
Molecular consequence: missense variant.
Genome position (GRCh38, 1-based): chr15:89,326,639, C>T on the plus strand (G>A on the coding strand, the complement: POLG is on the minus strand). VCF-style: chr15-89326639-C-T. GRCh37 (hg19) VCF-style: chr15-89869870-C-T.
Other names: c.1685G>A (NM_002693.2); c.1685G>A, p.Arg562Gln (NM_001126131.2); short protein forms R562Q.
Identifiers: ClinVar variation 929779 (VCV000929779.8), dbSNP rs781168350, ClinGen allele CA274555605.